The following is an entry in ClinVar:

ClinVar aggregate classification (germline): Uncertain significance (1 of 4 stars; one submission).

Submission:

Labcorp Genetics (formerly Invitae), Labcorp
Classification: Uncertain significance. Last evaluated: 2024-02-24. Review status: criteria provided, single submitter. Criteria: Invitae Variant Classification Sherloc (09022015). Collection method: clinical testing. Allele origin: germline.
Comment: This sequence change replaces methionine, which is neutral and non-polar, with arginine, which is basic and polar, at codon 988 of the CACNA1E protein (p.Met988Arg). This variant is not present in population databases (gnomAD no frequency). This variant has not been reported in the literature in individuals affected with CACNA1E-related conditions. ClinVar contains an entry for this variant (Variation ID: 1358287). Advanced modeling of protein sequence and biophysical properties (such as structural, functional, and spatial information, amino acid conservation, physicochemical variation, residue mobility, and thermodynamic stability) has been performed at Invitae for this missense variant, however the output from this modeling did not meet the statistical confidence thresholds required to predict the impact of this variant on CACNA1E protein function. In summary, the available evidence is currently insufficient to determine the role of this variant in disease. Therefore, it has been classified as a Variant of Uncertain Significance.

NM_001205293.3(CACNA1E):c.2963T>G (p.Met988Arg)

Gene: CACNA1E (calcium voltage-gated channel subunit alpha1 E; plus strand). Cytogenetic location: 1q25.3.
Variant type: single nucleotide variant.
Coding change: c.2963T>G on transcript NM_001205293.3 (MANE Select); coding-DNA position 2963, T replaced by G.
Protein change: p.Met988Arg; replaces methionine 988 with arginine.
Molecular consequence: missense variant.
Genome position (GRCh38, 1-based): chr1:181,733,451, T>G. VCF-style: chr1-181733451-T-G. GRCh37 (hg19) VCF-style: chr1-181702587-T-G.
Other names: c.2963T>G, p.Met988Arg (NM_000721.4); c.2906T>G, p.Met969Arg (NM_001205294.2); short protein forms M969R, M988R.
Identifiers: ClinVar variation 1358287 (VCV001358287.8), dbSNP rs2102556650, ClinGen allele CA343620411.